The following is an entry in ClinVar:

NM_001440.4(EXTL3):c.676G>A (p.Val226Ile)

Gene: EXTL3 (exostosin like glycosyltransferase 3; plus strand). Cytogenetic location: 8p21.1.
Variant type: single nucleotide variant.
Coding change: c.676G>A on transcript NM_001440.4 (MANE Select); coding-DNA position 676, G replaced by A.
Protein change: p.Val226Ile; replaces valine 226 with isoleucine.
Molecular consequence: missense variant.
Genome position (GRCh38, 1-based): chr8:28,716,735, G>A. VCF-style: chr8-28716735-G-A. GRCh37 (hg19) VCF-style: chr8-28574252-G-A.
Other names: short protein forms V226I.
Identifiers: ClinVar variation 1983899 (VCV001983899.1), dbSNP rs531742587, ClinGen allele CA4696043.

ClinVar aggregate classification (germline): Uncertain significance (1 of 4 stars; one submission).

Allele frequency attached by ClinVar (database versions not stated): 1000 Genomes Project 30x 0.00016; 1000 Genomes Project 0.00020.
gnomAD v4.1: 21 of 1,614,218 alleles (0.0013%); highest among the groups gnomAD compares: South Asian, 0.0099%; no homozygotes.

Submission:

Labcorp Genetics (formerly Invitae), Labcorp
Classification: Uncertain significance. Last evaluated: 2022-08-22. Review status: criteria provided, single submitter. Criteria: Invitae Variant Classification Sherloc (09022015). Collection method: clinical testing. Allele origin: germline.
Comment: This sequence change replaces valine, which is neutral and non-polar, with isoleucine, which is neutral and non-polar, at codon 226 of the EXTL3 protein (p.Val226Ile). This variant is present in population databases (rs531742587, gnomAD 0.01%). This variant has not been reported in the literature in individuals affected with EXTL3-related conditions. Algorithms developed to predict the effect of missense changes on protein structure and function output the following: SIFT: "Tolerated"; PolyPhen-2: "Benign"; Align-GVGD: "Class C0". The isoleucine amino acid residue is found in multiple mammalian species, which suggests that this missense change does not adversely affect protein function. In summary, the available evidence is currently insufficient to determine the role of this variant in disease. Therefore, it has been classified as a Variant of Uncertain Significance.